The following is an entry in ClinVar:

ClinVar aggregate classification (germline): Likely pathogenic (1 of 4 stars; one submission).

Submission:

Labcorp Genetics (formerly Invitae), Labcorp
Classification: Likely pathogenic. Last evaluated: 2022-05-27. Review status: criteria provided, single submitter. Criteria: Invitae Variant Classification Sherloc (09022015). Collection method: clinical testing. Allele origin: germline.
Comment: In summary, the currently available evidence indicates that the variant is pathogenic, but additional data are needed to prove that conclusively. Therefore, this variant has been classified as Likely Pathogenic. This variant disrupts the p.Val208 amino acid residue in TYMP. Other variant(s) that disrupt this residue have been determined to be pathogenic (PMID: 16178026). This suggests that this residue is clinically significant, and that variants that disrupt this residue are likely to be disease-causing. Advanced modeling of protein sequence and biophysical properties (such as structural, functional, and spatial information, amino acid conservation, physicochemical variation, residue mobility, and thermodynamic stability) performed at Invitae indicates that this missense variant is expected to disrupt TYMP protein function. This variant has not been reported in the literature in individuals affected with TYMP-related conditions. This variant is not present in population databases (gnomAD no frequency). This sequence change replaces valine, which is neutral and non-polar, with alanine, which is neutral and non-polar, at codon 208 of the TYMP protein (p.Val208Ala).

Literature cited by the submitters: PubMed 16178026.

NM_001953.5(TYMP):c.623T>C (p.Val208Ala)

Gene: TYMP (thymidine phosphorylase; minus strand). Cytogenetic location: 22q13.33.
Variant type: single nucleotide variant.
Coding change: c.623T>C on transcript NM_001953.5 (MANE Select); coding-DNA position 623, T replaced by C.
Protein change: p.Val208Ala; replaces valine 208 with alanine.
Molecular consequence: missense variant.
Genome position (GRCh38, 1-based): chr22:50,527,611, A>G on the plus strand (T>C on the coding strand, the complement: TYMP is on the minus strand). VCF-style: chr22-50527611-A-G. GRCh37 (hg19) VCF-style: chr22-50966040-A-G.
Other names: c.623T>C, p.Val208Ala (NM_001113755.3, NM_001113756.3, NM_001257988.1 and 1 more transcripts); short protein forms V208A.
Identifiers: ClinVar variation 1999762 (VCV001999762.4), dbSNP rs1064792867, ClinGen allele CA412201088.